The following is an entry in ClinVar:

NM_000540.3(RYR1):c.11954G>A (p.Trp3985Ter)

Gene: RYR1 (ryanodine receptor 1; plus strand). Cytogenetic location: 19q13.2.
Variant type: single nucleotide variant.
Coding change: c.11954G>A on transcript NM_000540.3 (MANE Select); coding-DNA position 11954, G replaced by A.
Protein change: p.Trp3985Ter; replaces tryptophan 3985 with a stop codon.
Molecular consequence: nonsense.
Genome position (GRCh38, 1-based): chr19:38,543,817, G>A. VCF-style: chr19-38543817-G-A. GRCh37 (hg19) VCF-style: chr19-39034457-G-A.
Other names: c.11939G>A, p.Trp3980Ter (NM_001042723.2); short protein forms W3980*, W3985*.
Identifiers: ClinVar variation 3072946 (VCV003072946.1), dbSNP rs2514579270, ClinGen allele CA405662853.
Genomic context (GRCh38, chr19:38,543,817, plus strand): 5'-ACTCTGCCTCCCAGGGTCCCTGCACCGGGAACCAGCAGAGCCTGGCGCACAGTCGCCTAT[G>A]GGACGCAGTGGTGGGATTCCTGCACGTGTTCGCCCACATGATGATGAAGCTCGCTCAGGT-3'

ClinVar aggregate classification (germline): Uncertain significance (1 of 4 stars; one submission).

Conditions:
Malignant hyperthermia, susceptibility to, 1 (MHS1). Also called: Anesthesia related hyperthermia; Malignant hyperpyrexia; Fulminating hyperpyrexia; Pharmacogenic myopathy; RYR1-Related Malignant Hyperthermia Susceptibility; Malignant hyperthermia suceptibility 1. Identifiers: Orphanet 423, MedGen C2930980, MONDO:0007783, OMIM 145600.

Allele frequency attached by ClinVar (database versions not stated): gnomAD exomes below 0.00001.
gnomAD v4.1: 1 of 1,613,902 alleles (0.000062%); highest among the groups gnomAD compares: South Asian, 0.0011%; no homozygotes.

Submission:

All of Us Research Program, National Institutes of Health
Classification: Uncertain significance for Malignant hyperthermia, susceptibility to, 1. Last evaluated: 2023-08-15. Review status: criteria provided, single submitter. Criteria: ACMG Guidelines, 2015. Collection method: clinical testing. Allele origin: germline. Inheritance: Autosomal dominant inheritance. Observed: 1 variant allele, 1 heterozygote.
Comment: This variant changes 1 nucleotide in exon 87 of the RYR1 gene, creating a premature translation stop signal. This variant is expected to result in an absent or non-functional protein product. To our knowledge, this variant has not been reported in individuals affected with RYR1-related disorders in the literature. This variant has not been identified in the general population by the Genome Aggregation Database (gnomAD). Loss of RYR1 function due to truncation variants is not an established disease mechanism for autosomal dominant malignant hyperthermia, although it is associated with other phenotype(s). Due to insufficient evidence, this variant is classified as a Variant of Uncertain Significance for autosomal dominant malignant hyperthermia.

This study involves interpretation of variants in research participants for the purpose of population health screening. Participant phenotype was not available at the time of variant classification. Additional details can be found in publication PMID: 35346344, PMCID: PMC8962531